The following is an entry in ClinVar:

NM_014625.4(NPHS2):c.419del (p.Gly140fs)

Gene: NPHS2 (NPHS2 stomatin family member, podocin; minus strand). Cytogenetic location: 1q25.2.
Variant type: Deletion.
Coding change: c.419del on transcript NM_014625.4 (MANE Select); coding-DNA position 419, one base deleted (G; older notation c.419delG).
Protein change: p.Gly140fs; shifts the reading frame from glycine 140.
Molecular consequence: frameshift variant.
Genome position (GRCh38, 1-based): chr1:179,561,321, C deleted on the plus strand (G on the coding strand, the reverse complement: NPHS2 is on the minus strand); the first of 3 consecutive C bases (chr1:179,561,321-179,561,323); deleting any one gives the same sequence. VCF-style (leftmost placement, unchanged base first): chr1-179561320-TC-T. GRCh37 (hg19) VCF-style: chr1-179530455-TC-T.
Other names: c.419del, p.Gly140fs (NM_001297575.2); c.419delG (NM_014625.3); short protein forms G140fs.
Identifiers: ClinVar variation 928542 (VCV000928542.19), dbSNP rs749779208, ClinGen allele CA1267228.
Genomic context (GRCh38, chr1:179,561,320, plus strand): 5'-TGTTTAGAAAAAAAAGAGTGTTTTTTTACCAGGGCCTTTGGCTCTTCCAGGAAGCAGATG[TC>T]CCAGTCGGAATATAATTACTCTTTCATACTCTTGTACAACCTAAAGAGAAATTTAATCCT-3'

ClinVar aggregate classification (germline): Pathogenic. Review status: criteria provided, multiple submitters, no conflicts (2 of 4 stars). 12 submissions from 12 submitters: Pathogenic (10). 2 of the submissions do not count toward it. Last evaluated 2025-10-27.

Conditions:
Nephrotic syndrome, type 2 (NPHS2). Also called: NEPHROTIC SYNDROME, STEROID-RESISTANT, AUTOSOMAL RECESSIVE. Identifiers: Orphanet 656, MedGen C1868672, MONDO:0010974, OMIM 600995.
NPHS2-related disorder. Also called: NPHS2-related condition.
Nephrotic syndrome. Identifiers: MedGen C0027726, MONDO:0005377, HP:0000100.
Steroid-resistant nephrotic syndrome. Identifiers: MedGen C0403397, MONDO:0044765, HP:0012588.

Submissions (12):

Dasa
Classification: Pathogenic. Last evaluated: 2025-10-27. Review status: criteria provided, single submitter. Criteria: DASA Assertion Criteria. Collection method: clinical testing. Allele origin: germline.
Comment: NM_014625.4(NPHS2):c.419del (p.Gly140Aspfs*41) introduces a premature termination codon predicted to result in loss of normal protein function. Loss-of-function is an established mechanism of disease for this gene. This variant has been recurrently observed in affected individuals with related phenotype in a genotype context consistent with recessive disease (PMID: 38765578; PMID: 40225918). The variant is present at low frequency in population datasets. Based on the available data, this variant is classified as pathogenic.

Natera, Inc.
Classification: Pathogenic for Steroid-resistant nephrotic syndrome. Last evaluated: 2025-08-13. Review status: criteria provided, single submitter. Criteria: Natera Variant Classification Schema (03/2026). Collection method: clinical testing. Allele origin: germline.
Comment: The c.419delG variant in NPHS2 is a frameshift variant predicted to shift the reading frame beginning at codon 140 and leads to a stop codon 41 codons downstream. This variant is expected to result in nonsense mediated decay, truncation, or a dysfunctional protein product. This variant is rare in the general population with a frequency below the threshold expected for the associated phenotype(s). This variant has been observed in one or more individuals affected with the associated recessive disease, as either homozygous or compound heterozygous with a second variant (PMID: 14978175, 11729243). Additionally, this variant has been observed to segregate in affected family members (PMID: 14978175). Given the available evidence, this variant is classified as Pathogenic.

Labcorp Genetics (formerly Invitae), Labcorp
Classification: Pathogenic. Last evaluated: 2024-03-27. Review status: criteria provided, single submitter. Criteria: Invitae Variant Classification Sherloc (09022015). Collection method: clinical testing. Allele origin: germline.
Comment: This sequence change creates a premature translational stop signal (p.Gly140Aspfs*41) in the NPHS2 gene. It is expected to result in an absent or disrupted protein product. Loss-of-function variants in NPHS2 are known to be pathogenic (PMID: 10742096, 14701729, 15253708, 23595123). This variant is present in population databases (rs749779208, gnomAD 0.002%). This premature translational stop signal has been observed in individuals with nephrotic syndrome (PMID: 10742096, 28385484). ClinVar contains an entry for this variant (Variation ID: 928542). For these reasons, this variant has been classified as Pathogenic.

Baylor Genetics
Classification: Pathogenic for Nephrotic syndrome, type 2. Last evaluated: 2024-01-04. Review status: criteria provided, single submitter. Criteria: ACMG Guidelines, 2015. Collection method: clinical testing. Allele origin: unknown.

Fulgent Genetics
Classification: Pathogenic for Nephrotic syndrome, type 2. Last evaluated: 2023-12-27. Review status: criteria provided, single submitter. Criteria: ACMG Guidelines, 2015. Collection method: clinical testing. Allele origin: germline.

Blueprint Genetics
Classification: Pathogenic for NPHS2-related disorders. Last evaluated: 2023-11-10. Review status: criteria provided, single submitter. Criteria: ACMG Guidelines, 2015. Collection method: clinical testing. Allele origin: germline. Affected: yes. Observed: 5 variant alleles.

Genome-Nilou Lab
Classification: Pathogenic for Nephrotic syndrome, type 2. Last evaluated: 2023-04-11. Review status: criteria provided, single submitter. Criteria: ACMG Guidelines, 2015. Collection method: clinical testing. Allele origin: germline. Affected: no.

PreventionGenetics, part of Exact Sciences
Classification: Pathogenic for NPHS2-related condition. Last evaluated: 2022-10-25. Review status: criteria provided, single submitter. Criteria: ACMG Guidelines, 2015. Collection method: clinical testing. Allele origin: germline.
Comment: The NPHS2 c.419delG variant is predicted to result in a frameshift and premature protein termination (p.Gly140Aspfs*41). This variant has been reported in the homozygous and compound heterozygous state in many individuals with steroid resistant nephrotic syndrome (Boute et al 2000. PubMed ID: 10742096; Supp. Table 9 in Warejko JK et al 2017. PubMed ID: 29127259; Karle SM et al 2002. PubMed ID: 11805166; Weber S et al 2004. PubMed ID: 15253708). This variant is reported in 0.0018% of alleles in individuals of European (Non-Finnish) descent in gnomAD. Frameshift variants in NPHS2 are expected to be pathogenic. This variant is interpreted as pathogenic.

Laboratory of Medical Genetics, National & Kapodistrian University of Athens
Classification: Pathogenic for Nephrotic syndrome, type 2. Last evaluated: 2021-12-07. Review status: criteria provided, single submitter. Criteria: ACMG Guidelines, 2015. Collection method: clinical testing. Allele origin: germline. Affected: yes.
Comment: PS4, PM2, PP3, PP5

Women's Health and Genetics/Laboratory Corporation of America, LabCorp
Classification: Pathogenic for Idiopathic nephrotic syndrome. Last evaluated: 2019-06-25. Review status: criteria provided, single submitter. Criteria: LabCorp Variant Classification Summary - May 2015. Collection method: clinical testing. Allele origin: germline.
Comment: Variant summary: NPHS2 c.419delG (p.Gly140AspfsX41) results in a premature termination codon, predicted to cause a truncation of the encoded protein or absence of the protein due to nonsense mediated decay, which are commonly known mechanisms for disease. Truncations downstream of this position have been classified as pathogenic by our laboratory. The variant allele was found at a frequency of 8e-06 in 251538 control chromosomes. c.419delG has been reported in the literature in multiple individuals affected with Nephrotic Syndrome (Caridi_2001, Karle_2002, Machuca_2010). These data indicate that the variant is very likely to be associated with disease. To our knowledge, no experimental evidence demonstrating an impact on protein function has been reported. No clinical diagnostic laboratories have submitted clinical-significance assessments for this variant to ClinVar after 2014. Based on the evidence outlined above, the variant was classified as pathogenic.

Yale Center for Mendelian Genomics, Yale University
Classification: Likely pathogenic for Nephrotic syndrome. Last evaluated: 2017-11-10. Review status: no assertion criteria provided. Collection method: literature only. Allele origin: germline. Affected: yes. Observed: 2 homozygotes. Study: Yale Center for Mendelian Genomics. Not counted in ClinVar's aggregate classification.

OMIM
Classification: Pathogenic for NEPHROTIC SYNDROME, TYPE 2. Last evaluated: 2001-12-01. Review status: no assertion criteria provided. Collection method: literature only. Allele origin: germline. Not counted in ClinVar's aggregate classification.

Literature cited by the submitters: PubMed 38765578 (cited by Dasa); PubMed 40225918 (cited by Dasa); PubMed 14978175 (cited by Natera, Inc.); PubMed 11729243 (cited by 3 submitters); PubMed 10742096 (cited by Labcorp Genetics (formerly Invitae), Labcorp and OMIM); PubMed 14701729 (cited by Labcorp Genetics (formerly Invitae), Labcorp); PubMed 15253708 (cited by Labcorp Genetics (formerly Invitae), Labcorp); PubMed 23595123 (cited by Labcorp Genetics (formerly Invitae), Labcorp); PubMed 28385484 (cited by Labcorp Genetics (formerly Invitae), Labcorp); PubMed 20507940 (cited by Women's Health and Genetics/Laboratory Corporation of America, LabCorp); PubMed 11805166 (cited by Women's Health and Genetics/Laboratory Corporation of America, LabCorp); PubMed 29127259 (cited by Yale Center for Mendelian Genomics, Yale University).